The following is an entry in ClinVar:

ClinVar aggregate classification (germline): Uncertain significance (1 of 4 stars; one submission).

Submission:

Women's Health and Genetics/Laboratory Corporation of America, LabCorp
Classification: Uncertain significance. Last evaluated: 2024-01-23. Review status: criteria provided, single submitter. Criteria: LabCorp Variant Classification Summary - May 2015. Collection method: clinical testing. Allele origin: germline.
Comment: Variant summary: OBSL1 c.2608C>T (p.Gln870X) results in a premature termination codon, predicted to cause a truncation of the encoded protein, however it is unclear if variants in this region cause disease. The variant was absent in 247964 control chromosomes. The available data on variant occurrences in the general population are insufficient to allow any conclusion about variant significance. To our knowledge, no occurrence of c.2608C>T in individuals affected with Three M Syndrome 2 and no experimental evidence demonstrating its impact on protein function have been reported. ClinVar contains an entry for this variant (Variation ID: 2429253). Based on the evidence outlined above, the variant was classified as uncertain significance.

NM_015311.3(OBSL1):c.2608C>T (p.Gln870Ter)

Gene: OBSL1 (obscurin like cytoskeletal adaptor 1; minus strand). Cytogenetic location: 2q35.
Variant type: single nucleotide variant.
Coding change: c.2608C>T on transcript NM_015311.3 (MANE Select); coding-DNA position 2608, C replaced by T.
Protein change: p.Gln870Ter; replaces glutamine 870 with a stop codon.
Molecular consequence: nonsense.
Genome position (GRCh38, 1-based): chr2:219,563,427, G>A on the plus strand (C>T on the coding strand, the complement: OBSL1 is on the minus strand). VCF-style: chr2-219563427-G-A. GRCh37 (hg19) VCF-style: chr2-220428149-G-A.
Other names: c.2608C>T, p.Gln870Ter (NM_001173408.2, NM_001173431.2); short protein forms Q870*.
Identifiers: ClinVar variation 2429253 (VCV002429253.4), dbSNP rs2546282122, ClinGen allele CA350748110.
Genomic context (GRCh38, chr2:219,563,427, plus strand): 5'-CAGTGAAGTAGGCACACTCATCTCCAGCGACGCACTGAAACTCGCCCCCGTCTGAGGGCT[G>A]GGTGGCGGGCAGCACCAGGCGGCGATGGGGCCCCTCATTCTCCAGCACCACGAAGTCACT-3'